The following is an entry in ClinVar:

NM_000136.3(FANCC):c.783_784insT (p.Ile262fs)

Genes: AOPEP (aminopeptidase O (putative); plus strand), FANCC (FA complementation group C; minus strand). Cytogenetic location: 9q22.32.
Variant type: Insertion.
Coding change: c.783_784insT on transcript NM_000136.3 (MANE Select); coding-DNA positions 783 to 784, T inserted.
Protein change: p.Ile262fs; shifts the reading frame from isoleucine 262.
Molecular consequence: frameshift variant.
Genome position: GRCh38 VCF-style: chr9-95135405-T-TA. GRCh37 (hg19) VCF-style: chr9-97897687-T-TA.
Other names: c.783_784insT, p.Ile262fs (NM_001243743.2, NM_001243744.2); short protein forms I262fs.
Identifiers: ClinVar variation 5012860 (VCV005012860.1).

ClinVar aggregate classification (germline): Pathogenic (1 of 4 stars; one submission).

Conditions:
Fanconi anemia complementation group C (FANCC). Also called: FANCONI PANCYTOPENIA, TYPE 3; FACC; Fanconi anemia, group C; FANCC-Related Fanconi Anemia. Identifiers: Orphanet 84, MedGen C3468041, MONDO:0009213, OMIM 227645.

Submission:

Myriad Genetics, Inc.
Classification: Pathogenic for Fanconi anemia complementation group C. Last evaluated: 2024-03-24. Review status: criteria provided, single submitter. Criteria: Myriad Autosomal Dominant, Autosomal Recessive and X-Linked Classification Criteria (2023). Collection method: clinical testing. Allele origin: unknown.
Comment: NM_000136.2(FANCC):c.783_784insT(I262Yfs*4) is expected to be pathogenic in the context of Fanconi anemia, FANCC-related. This variant is predicted to lead to an abnormal or absent protein product due to the creation of a premature termination codon in FANCC, a gene where loss-of-function variants are known to be pathogenic. Please note: this variant was assessed in the context of healthy population screening.